The following is an entry in ClinVar:

ClinVar aggregate classification (germline): Uncertain significance. Review status: criteria provided, multiple submitters, no conflicts (2 of 4 stars). 2 submissions from 2 submitters: Uncertain significance (2). Last evaluated 2024-03-12.

Conditions:
Myofibrillar myopathy 5. Also called: FILAMINOPATHY, AUTOSOMAL DOMINANT; Filaminopathy (type). Identifiers: Orphanet 171445, MedGen C1836050, MONDO:0012289, OMIM 609524.
Distal myopathy with posterior leg and anterior hand involvement. Also called: WILLIAMS DISTAL MYOPATHY. Identifiers: Orphanet 63273, MedGen C3279722, MONDO:0013550, OMIM 614065.
Hypertrophic cardiomyopathy 26. Also called: Cardiomyopathy, familial hypertrophic, 26. Identifiers: Orphanet 75249, MedGen C4310749, MONDO:0014883, OMIM 617047.

Submissions (2):

Labcorp Genetics (formerly Invitae), Labcorp
Classification: Uncertain significance for Distal myopathy with posterior leg and anterior hand involvement; Myofibrillar myopathy 5; Hypertrophic cardiomyopathy 26. Last evaluated: 2024-03-12. Review status: criteria provided, single submitter. Criteria: Invitae Variant Classification Sherloc (09022015). Collection method: clinical testing. Allele origin: germline.
Comment: This sequence change replaces valine, which is neutral and non-polar, with alanine, which is neutral and non-polar, at codon 1446 of the FLNC protein (p.Val1446Ala). This variant is not present in population databases (gnomAD no frequency). This variant has not been reported in the literature in individuals affected with FLNC-related conditions. ClinVar contains an entry for this variant (Variation ID: 2578135). Advanced modeling of protein sequence and biophysical properties (such as structural, functional, and spatial information, amino acid conservation, physicochemical variation, residue mobility, and thermodynamic stability) has been performed at Invitae for this missense variant, however the output from this modeling did not meet the statistical confidence thresholds required to predict the impact of this variant on FLNC protein function. In summary, the available evidence is currently insufficient to determine the role of this variant in disease. Therefore, it has been classified as a Variant of Uncertain Significance.

GeneDx
Classification: Uncertain significance. Last evaluated: 2023-02-23. Review status: criteria provided, single submitter. Criteria: GeneDx Variant Classification Process June 2021. Collection method: clinical testing. Allele origin: germline. Affected: yes.
Comment: Not observed at significant frequency in large population cohorts (gnomAD); In silico analysis supports that this missense variant has a deleterious effect on protein structure/function; Has not been previously published as pathogenic or benign to our knowledge

NM_001458.5(FLNC):c.4337T>C (p.Val1446Ala)

Gene: FLNC (filamin C; plus strand). Cytogenetic location: 7q32.1.
Variant type: single nucleotide variant.
Coding change: c.4337T>C on transcript NM_001458.5 (MANE Select); coding-DNA position 4337, T replaced by C.
Protein change: p.Val1446Ala; replaces valine 1446 with alanine.
Molecular consequence: missense variant.
Genome position (GRCh38, 1-based): chr7:128,847,745, T>C. VCF-style: chr7-128847745-T-C. GRCh37 (hg19) VCF-style: chr7-128487799-T-C.
Other names: c.4337T>C, p.Val1446Ala (NM_001127487.2); short protein forms V1446A.
Identifiers: ClinVar variation 2578135 (VCV002578135.3), dbSNP rs374219293, ClinGen allele CA166182953.
Genomic context (GRCh38, chr7:128,847,745, plus strand): 5'-TTCTCCTCACAGGGAGCCCGTTCCGCGTGCCAGTGAAGGATGTGGTGGACCCTGGGAAGG[T>C]GAAGTGCTCAGGGCCAGGGCTGGGGGCTGGTGTCAGGGCCCGGGTTCCTCAGACCTTCAC-3'
Protein context (NP_001449.3, residues 1436-1456): PVKDVVDPGK[Val1446Ala]KCSGPGLGAG